The following is an entry in ClinVar:

NM_020166.5(MCCC1):c.2046G>C (p.Met682Ile)

Gene: MCCC1 (methylcrotonyl-CoA carboxylase subunit 1; minus strand). Cytogenetic location: 3q27.1.
Variant type: single nucleotide variant.
Coding change: c.2046G>C on transcript NM_020166.5 (MANE Select); coding-DNA position 2046, G replaced by C.
Protein change: p.Met682Ile; replaces methionine 682 with isoleucine.
Molecular consequence: missense variant. On other transcripts: non-coding transcript variant (2).
Genome position (GRCh38, 1-based): chr3:183,017,269, C>G on the plus strand (G>C on the coding strand, the complement: MCCC1 is on the minus strand). VCF-style: chr3-183017269-C-G. GRCh37 (hg19) VCF-style: chr3-182735057-C-G.
Other names: c.1695G>C, p.Met565Ile (NM_001293273.2); c.1719G>C, p.Met573Ile (NM_001363880.1); short protein forms M565I, M573I, M682I.
Identifiers: ClinVar variation 2075660 (VCV002075660.2), dbSNP rs200415465, ClinGen allele CA2718575.
Genomic context (GRCh38, chr3:183,017,269, plus strand): 5'-CATTAGGTATGATTGCTCCCAAAGTCCTCATAGCAAATGAACTCATGATTTCCTTACCTC[C>G]ATCTTCATGGCGATCATAACCATGAGGGAATCTCCCGCTTTCACTTTGTCTCCAGCTTTG-3'
Protein context (NP_064551.3, residues 672-692): DSLMVMIAMK[Met682Ile]EHTIKSPKDG

ClinVar aggregate classification (germline): Uncertain significance. Review status: criteria provided, multiple submitters, no conflicts (2 of 4 stars). 2 submissions from 2 submitters: Uncertain significance (2). Last evaluated 2021-11-09.

Conditions:
Inborn genetic diseases. Identifiers: MedGen C0950123, MeSH D030342.
3-methylcrotonyl-CoA carboxylase 1 deficiency (MCC1D). Also called: MCCD TYPE 1; METHYLCROTONYLGLYCINURIA TYPE I; MCC 1 deficiency; 3 Alpha methylcrotonylglycinuria 1. Identifiers: Orphanet 6, MedGen CN028786, MONDO:0008861, OMIM 210200.

Allele frequency attached by ClinVar (database versions not stated): gnomAD 0.00005; TOPMed 0.00011; gnomAD exomes 0.00014; ExAC 0.00016; 1000 Genomes Project 0.00020; 1000 Genomes Project 30x 0.00031.

Submissions (2):

Ambry Genetics
Classification: Uncertain significance for Inborn genetic diseases. Last evaluated: 2021-11-09. Review status: criteria provided, single submitter. Criteria: Ambry Variant Classification Scheme 2023. Collection method: clinical testing. Allele origin: germline.

Labcorp Genetics (formerly Invitae), Labcorp
Classification: Uncertain significance for 3-methylcrotonyl-CoA carboxylase 1 deficiency. Last evaluated: 2021-08-27. Review status: criteria provided, single submitter. Criteria: Invitae Variant Classification Sherloc (09022015). Collection method: clinical testing. Allele origin: germline.
Comment: This sequence change replaces methionine with isoleucine at codon 682 of the MCCC1 protein (p.Met682Ile). The methionine residue is highly conserved and there is a small physicochemical difference between methionine and isoleucine. This variant is present in population databases (rs200415465, ExAC 0.03%). This variant has not been reported in the literature in individuals affected with MCCC1-related conditions. Algorithms developed to predict the effect of missense changes on protein structure and function are either unavailable or do not agree on the potential impact of this missense change (SIFT: "Tolerated"; PolyPhen-2: "Probably Damaging"; Align-GVGD: "Class C0"). In summary, the available evidence is currently insufficient to determine the role of this variant in disease. Therefore, it has been classified as a Variant of Uncertain Significance.